The following is an entry in ClinVar:

NM_006922.4(SCN3A):c.3139A>G (p.Ser1047Gly)

Gene: SCN3A (sodium voltage-gated channel alpha subunit 3; minus strand). Cytogenetic location: 2q24.3.
Variant type: single nucleotide variant.
Coding change: c.3139A>G on transcript NM_006922.4 (MANE Select); coding-DNA position 3139, A replaced by G.
Protein change: p.Ser1047Gly; replaces serine 1047 with glycine.
Molecular consequence: missense variant.
Genome position (GRCh38, 1-based): chr2:165,127,885, T>C on the plus strand (A>G on the coding strand, the complement: SCN3A is on the minus strand). VCF-style: chr2-165127885-T-C. GRCh37 (hg19) VCF-style: chr2-165984395-T-C.
Other names: c.2992A>G, p.Ser998Gly (NM_001081676.2, NM_001081677.2); short protein forms S1047G, S998G.
Identifiers: ClinVar variation 3363954 (VCV003363954.1).

ClinVar aggregate classification (germline): Uncertain significance (1 of 4 stars; one submission).

gnomAD v4.1: 1 of 1,614,226 alleles (0.000062%); highest among the groups gnomAD compares: Middle Eastern, 0.016%; no homozygotes.

Submission:

GeneDx
Classification: Uncertain significance. Last evaluated: 2023-11-09. Review status: criteria provided, single submitter. Criteria: GeneDx Variant Classification Process June 2021. Collection method: clinical testing. Allele origin: germline. Affected: yes.
Comment: Not observed at significant frequency in large population cohorts (gnomAD); In silico analysis supports that this missense variant does not alter protein structure/function; Has not been previously published as pathogenic or benign to our knowledge